The following is an entry in ClinVar:

NM_054027.6(ANKH):c.1332C>T (p.Val444=)

Genes: ANKH (ANKH inorganic pyrophosphate transport regulator; minus strand), OTULIN (OTU deubiquitinase with linear linkage specificity; plus strand), LOC100130744 (uncharacterized LOC100130744; plus strand). Cytogenetic location: 5p15.2.
Variant type: single nucleotide variant.
Coding change: c.1332C>T on transcript NM_054027.6 (MANE Select); coding-DNA position 1332, C replaced by T.
Protein change: p.Val444=; no amino-acid change (valine 444 retained).
Molecular consequence: synonymous variant. On other transcripts: non-coding transcript variant (1).
Genome position (GRCh38, 1-based): chr5:14,712,907, G>A on the plus strand (C>T on the coding strand, the complement: ANKH is on the minus strand). VCF-style: chr5-14712907-G-A. GRCh37 (hg19) VCF-style: chr5-14713016-G-A.
Identifiers: ClinVar variation 351500 (VCV000351500.43), dbSNP rs139351002, ClinGen allele CA3208841.
Genomic context (GRCh38, chr5:14,712,907, plus strand): 5'-AGGAGGCTCCCGGCGCGGCTGTCTCACCTGCTTCCGGTAGACATAGCACGCAGCGATGGC[G>A]ACCATGGTGGATTCTCCCACAAAGCCCGCCAGGAGGGAGCCCACGCCCAGGGTCGCACCG-3'
Protein context (NP_473368.1, residues 434-454): LAGFVGESTM[Val444=]AIAACYVYRK

ClinVar aggregate classification (germline): Benign/Likely benign. Review status: criteria provided, multiple submitters, no conflicts (2 of 4 stars). 8 submissions from 7 submitters: Benign (4); Likely benign (4). Last evaluated 2026-02-01.

Conditions:
Chondrocalcinosis 2. Also called: Familial calcium pyrophosphate deposition; CALCIUM GOUT; CALCIUM PYROPHOSPHATE ARTHROPATHY. Identifiers: Orphanet 1416, MedGen C0856830, MONDO:0007319, OMIM 118600.
Craniometaphyseal dysplasia, autosomal dominant (CMDD). Identifiers: Orphanet 1522, MedGen C1852502, MONDO:0007397, OMIM 123000.

Allele frequency attached by ClinVar (database versions not stated): gnomAD 0.00289 and 0.00309; ESP Exome Variant Server 0.00300; TOPMed 0.00324; 1000 Genomes Project 0.00339; 1000 Genomes Project 30x 0.00390.
gnomAD v4.1: 889 of 1,612,892 alleles (0.055%); highest among the groups gnomAD compares: African/African-American, 0.92%; 1 homozygote.

Submissions (8):

CeGaT Center for Human Genetics Tuebingen
Classification: Likely benign. Last evaluated: 2026-02-01. Review status: criteria provided, single submitter. Criteria: CeGaT Center For Human Genetics Tuebingen Variant Classification Criteria Version 2. Collection method: clinical testing. Allele origin: germline. Affected: yes. Observed: 5 variant alleles.
Comment: ANKH: BP4, BP7, BS1

Labcorp Genetics (formerly Invitae), Labcorp
Classification: Benign. Last evaluated: 2026-01-06. Review status: criteria provided, single submitter. Criteria: Invitae Variant Classification Sherloc (09022015). Collection method: clinical testing. Allele origin: germline.

Blueprint Genetics
Classification: Likely benign. Last evaluated: 2024-11-12. Review status: criteria provided, single submitter. Criteria: ACMG Guidelines, 2015. Collection method: clinical testing. Allele origin: germline.

GeneDx
Classification: Likely benign. Last evaluated: 2022-05-05. Review status: criteria provided, single submitter. Criteria: GeneDx Variant Classification Process June 2021. Collection method: clinical testing. Allele origin: germline. Affected: yes.
Comment: See Variant Classification Assertion Criteria.

Genome-Nilou Lab
Classification: Benign for Craniometaphyseal dysplasia, autosomal dominant. Last evaluated: 2021-12-05. Review status: criteria provided, single submitter. Criteria: ACMG Guidelines, 2015. Collection method: clinical testing. Allele origin: germline. Affected: no.

Illumina Laboratory Services, Illumina
Classification: Benign for Chondrocalcinosis 2. Last evaluated: 2018-01-13. Review status: criteria provided, single submitter. Criteria: ICSL Variant Classification Criteria 13 December 2019. Collection method: clinical testing. Allele origin: germline.
Comment: This variant was observed in the ICSL laboratory as part of a predisposition screen in an ostensibly healthy population. It had not been previously curated by ICSL or reported in the Human Gene Mutation Database (HGMD: prior to June 1st, 2018), and was therefore a candidate for classification through an automated scoring system. Utilizing variant allele frequency, disease prevalence and penetrance estimates, and inheritance mode, an automated score was calculated to assess if this variant is too frequent to cause the disease. Based on the score and internal cut-off values, a variant classified as benign is not then subjected to further curation. The score for this variant resulted in a classification of benign for this disease.

Illumina Laboratory Services, Illumina
Classification: Benign for Craniometaphyseal dysplasia, autosomal dominant. Last evaluated: 2018-01-13. Review status: criteria provided, single submitter. Criteria: ICSL Variant Classification Criteria 13 December 2019. Collection method: clinical testing. Allele origin: germline.
Comment: the same text as in the submission from Illumina Laboratory Services, Illumina above.

Breakthrough Genomics
Classification: Likely benign. Review status: criteria provided, single submitter. Criteria: ACMG Guidelines, 2015. Collection method: not provided. Allele origin: germline. Inheritance: Autosomal dominant inheritance. Affected: yes.